The following is an entry in ClinVar:

ClinVar aggregate classification (germline): Pathogenic. Review status: criteria provided, multiple submitters, no conflicts (2 of 4 stars). 2 submissions from 2 submitters: Pathogenic (2). Last evaluated 2025-08-13.

Conditions:
PHGDH deficiency. Identifiers: Orphanet 79351, MedGen C1866174, MONDO:0011152, OMIM 601815.
Neurometabolic disorder due to serine deficiency. Identifiers: Orphanet 35705, MedGen C5680148, MONDO:0018162.

Submissions (2):

Myriad Genetics, Inc.
Classification: Pathogenic for Neurometabolic disorder due to serine deficiency. Last evaluated: 2025-08-13. Review status: criteria provided, single submitter. Criteria: Myriad Autosomal Dominant, Autosomal Recessive and X-Linked Classification Criteria (2023). Collection method: clinical testing. Allele origin: unknown.
Comment: NM_006623.3(PHGDH):c.94_110del17(E32Qfs*12) is a frameshift variant classified as pathogenic in the context of serine deficiency disorder, PHGDH-related. E32Qfs*12 has not been observed in cases with relevant disease. Relevant functional assessments of this variant are not available in the literature. E32Qfs*12 has not been observed in referenced population frequency databases. In summary, NM_006623.3(PHGDH):c.94_110del17(E32Qfs*12) is a frameshift variant in a gene where loss of function is a known mechanism of disease and is predicted to disrupt protein function. Please note: this variant was assessed in the context of healthy population screening.

Labcorp Genetics (formerly Invitae), Labcorp
Classification: Pathogenic for PHGDH deficiency. Last evaluated: 2024-06-22. Review status: criteria provided, single submitter. Criteria: Invitae Variant Classification Sherloc (09022015). Collection method: clinical testing. Allele origin: germline.
Comment: This sequence change creates a premature translational stop signal (p.Glu32Glnfs*12) in the PHGDH gene. It is expected to result in an absent or disrupted protein product. Loss-of-function variants in PHGDH are known to be pathogenic (PMID: 14645240, 24836451). This variant is not present in population databases (gnomAD no frequency). This variant has not been reported in the literature in individuals affected with PHGDH-related conditions. For these reasons, this variant has been classified as Pathogenic.

Literature cited by the submitters: PubMed 14645240 (cited by Labcorp Genetics (formerly Invitae), Labcorp); PubMed 24836451 (cited by Labcorp Genetics (formerly Invitae), Labcorp).

NM_006623.4(PHGDH):c.94_110del (p.Glu32fs)

Gene: PHGDH (phosphoglycerate dehydrogenase; plus strand). Cytogenetic location: 1p12.
Variant type: Deletion.
Coding change: c.94_110del on transcript NM_006623.4 (MANE Select); coding-DNA positions 94 to 110, 17 bases deleted (GAAAAGCAGAACCTTAG).
Protein change: p.Glu32fs; shifts the reading frame from glutamic acid 32.
Molecular consequence: frameshift variant.
Genome position (GRCh38, 1-based): chr1:119,712,116-119,712,132, GAAAAGCAGAACCTTAG deleted; deleting any 17 consecutive bases within chr1:119,712,115-119,712,132 gives the same sequence; the c. name uses the placement nearest the transcript's 3' end. VCF-style (leftmost placement, unchanged base first): chr1-119712114-TGGAAAAGCAGAACCTTA-T. GRCh37 (hg19) VCF-style: chr1-120254737-TGGAAAAGCAGAACCTTA-T.
Other names: short protein forms E32fs.
Identifiers: ClinVar variation 2871121 (VCV002871121.3), dbSNP rs1650721119, ClinGen allele CA1192422441.